The following is an entry in ClinVar:

ClinVar aggregate classification (germline): Likely benign. Review status: criteria provided, multiple submitters, no conflicts (2 of 4 stars). 3 submissions from 3 submitters: Likely benign (3). Last evaluated 2025-11-28.

Allele frequency attached by ClinVar (database versions not stated): ExAC 0.00014; ESP Exome Variant Server 0.00033; gnomAD 0.00034; 1000 Genomes Project 30x 0.00062; 1000 Genomes Project 0.00080.
gnomAD v4.1: 113 of 1,574,292 alleles (0.0072%); highest among the groups gnomAD compares: African/African-American, 0.11%; no homozygotes.

Submissions (3):

Labcorp Genetics (formerly Invitae), Labcorp
Classification: Likely benign. Last evaluated: 2025-11-28. Review status: criteria provided, single submitter. Criteria: Invitae Variant Classification Sherloc (09022015). Collection method: clinical testing. Allele origin: germline.

CeGaT Center for Human Genetics Tuebingen
Classification: Likely benign. Last evaluated: 2025-08-01. Review status: criteria provided, single submitter. Criteria: CeGaT Center For Human Genetics Tuebingen Variant Classification Criteria Version 2. Collection method: clinical testing. Allele origin: germline. Affected: yes. Observed: 3 variant alleles.
Comment: RIN2: BP4, BP7

Blueprint Genetics
Classification: Likely benign. Last evaluated: 2024-11-25. Review status: criteria provided, single submitter. Criteria: ACMG Guidelines, 2015. Collection method: clinical testing. Allele origin: germline.

NM_018993.4(RIN2):c.348G>A (p.Pro116=)

Gene: RIN2 (Ras and Rab interactor 2; plus strand). Cytogenetic location: 20p11.23.
Variant type: single nucleotide variant.
Coding change: c.348G>A on transcript NM_018993.4 (MANE Select); coding-DNA position 348, G replaced by A.
Protein change: p.Pro116=; no amino-acid change (proline 116 retained).
Molecular consequence: synonymous variant. On other transcripts: 5 prime UTR variant (1).
Genome position (GRCh38, 1-based): chr20:19,956,804, G>A. VCF-style: chr20-19956804-G-A. GRCh37 (hg19) VCF-style: chr20-19937448-G-A.
Other names: c.495G>A, p.Pro165= (NM_001242581.2); c.-198G>A (NM_001378238.1).
Identifiers: ClinVar variation 2051953 (VCV002051953.27), dbSNP rs370252541, ClinGen allele CA9779791.
Genomic context (GRCh38, chr20:19,956,804, plus strand): 5'-ATGGCTGCAGCTGAGTCTGAGTGAGGAGGAGGCAGCAGAGGTCCTGCAGGCCCAGCCTCC[G>A]GGGGTAAGACTCAGAACCTCGGGAAGCAGGTTGAAGCAGGCAGGACTGCTGCCGGCTTAA-3'
Protein context (NP_061866.1, residues 106-126): EAAEVLQAQP[Pro116=]GIFLVHKSTK